The following is an entry in ClinVar:

NM_017841.4(SDHAF2):c.341A>G (p.Asn114Ser)

Gene: SDHAF2 (succinate dehydrogenase complex assembly factor 2; plus strand). Cytogenetic location: 11q12.2.
Variant type: single nucleotide variant.
Coding change: c.341A>G on transcript NM_017841.4 (MANE Select); coding-DNA position 341, A replaced by G.
Protein change: p.Asn114Ser; replaces asparagine 114 with serine.
Molecular consequence: missense variant.
Genome position (GRCh38, 1-based): chr11:61,438,084, A>G. VCF-style: chr11-61438084-A-G. GRCh37 (hg19) VCF-style: chr11-61205556-A-G.
Other names: short protein forms N114S.
Identifiers: ClinVar variation 575138 (VCV000575138.14), dbSNP rs747022200, ClinGen allele CA058524.

ClinVar aggregate classification (germline): Conflicting classifications of pathogenicity. Review status: criteria provided, conflicting classifications (1 of 4 stars). 5 submissions from 5 submitters: Uncertain significance (4); Benign (1). Last evaluated 2026-01-31.

Conditions:
Hereditary cancer-predisposing syndrome. Also called: Neoplastic Syndromes, Hereditary; Hereditary Cancer Syndrome; Tumor predisposition; Hereditary neoplastic syndrome. Identifiers: Orphanet 140162, MedGen C0027672, MeSH D009386, MONDO:0015356.
Pheochromocytoma/paraganglioma syndrome 2. Also called: GLOMUS TUMORS, FAMILIAL, 2; Paragangliomas 2; SDHAF2-Related Hereditary Paraganglioma-Pheochromocytoma Syndrome (Paragangliomas 2); SDHAF2-Related Hereditary Paraganglioma-Pheochromocytoma Syndrome. Identifiers: Orphanet 29072, MedGen C1866552, MONDO:0011121, OMIM 601650.
Hereditary pheochromocytoma and paraganglioma. Also called: Hereditary Paraganglioma-Pheochromocytoma Syndromes; Hereditary paragangliomas and pheochromocytomas; Hereditary pheochromocytoma-paraganglioma. Identifiers: Orphanet 29072, MedGen C4274332, MONDO:0017366.
Ovarian cancer. Also called: OVARIAN CANCER, SOMATIC. Identifiers: Orphanet 213500, MedGen C1140680, MONDO:0008170, OMIM 167000.

Allele frequency attached by ClinVar (database versions not stated): gnomAD 0.00001; gnomAD exomes 0.00001 and 0.00004; TOPMed 0.00001; ExAC 0.00007.
gnomAD v4.1: 17 of 1,613,980 alleles (0.0011%); highest among the groups gnomAD compares: East Asian, 0.038%; no homozygotes.

Submissions (5):

Labcorp Genetics (formerly Invitae), Labcorp
Classification: Uncertain significance for Hereditary pheochromocytoma and paraganglioma. Last evaluated: 2026-01-31. Review status: criteria provided, single submitter. Criteria: Invitae Variant Classification Sherloc (09022015). Collection method: clinical testing. Allele origin: germline.
Comment: This sequence change replaces asparagine, which is neutral and polar, with serine, which is neutral and polar, at codon 114 of the SDHAF2 protein (p.Asn114Ser). This variant is present in population databases (rs747022200, gnomAD 0.06%). This variant has not been reported in the literature in individuals affected with SDHAF2-related conditions. ClinVar contains an entry for this variant (Variation ID: 575138). An algorithm developed to predict the effect of missense changes on protein structure and function (PolyPhen-2) suggests that this variant is likely to be tolerated. In summary, the available evidence is currently insufficient to determine the role of this variant in disease. Therefore, it has been classified as a Variant of Uncertain Significance.

Ambry Genetics
Classification: Uncertain significance for Hereditary cancer-predisposing syndrome. Last evaluated: 2025-01-22. Review status: criteria provided, single submitter. Criteria: Ambry Variant Classification Scheme 2023. Collection method: clinical testing. Allele origin: germline.
Comment: The p.N114S variant (also known as c.341A>G), located in coding exon 3 of the SDHAF2 gene, results from an A to G substitution at nucleotide position 341. The asparagine at codon 114 is replaced by serine, an amino acid with highly similar properties. This amino acid position is highly conserved in available vertebrate species. In addition, this alteration is predicted to be tolerated by in silico analysis. Based on the available evidence, the clinical significance of this variant remains unclear.

Baylor Genetics
Classification: Uncertain significance for Pheochromocytoma/paraganglioma syndrome 2. Last evaluated: 2023-09-17. Review status: criteria provided, single submitter. Criteria: ACMG Guidelines, 2015. Collection method: clinical testing. Allele origin: unknown.

All of Us Research Program, National Institutes of Health
Classification: Uncertain significance for Hereditary pheochromocytoma and paraganglioma. Last evaluated: 2023-06-28. Review status: criteria provided, single submitter. Criteria: ACMG Guidelines, 2015. Collection method: clinical testing. Allele origin: germline. Inheritance: Autosomal dominant inheritance. Observed: 1 variant allele, 1 heterozygote.
Comment: This study involves interpretation of variants in research participants for the purpose of population health screening. Participant phenotype was not available at the time of variant classification. Additional details can be found in publication PMID: 35346344, PMCID: PMC8962531

Laboratory of Molecular Epidemiology of Birth Defects, West China Second University Hospital, Sichuan University
Classification: Benign for Ovarian cancer. Last evaluated: 2022-01-01. Review status: criteria provided, single submitter. Criteria: ACMG Guidelines, 2015. Collection method: clinical testing. Allele origin: germline. Affected: yes.